The following is an entry in ClinVar:

ClinVar aggregate classification (germline): Uncertain significance (1 of 4 stars; one submission).

gnomAD v4.1: 1 of 1,613,200 alleles (0.000062%); highest among the groups gnomAD compares: Non-Finnish European, 0.000085%; no homozygotes.

Submission:

Labcorp Genetics (formerly Invitae), Labcorp
Classification: Uncertain significance. Last evaluated: 2025-12-01. Review status: criteria provided, single submitter. Criteria: Invitae Variant Classification Sherloc (09022015). Collection method: clinical testing. Allele origin: germline.
Comment: This sequence change replaces threonine, which is neutral and polar, with alanine, which is neutral and non-polar, at codon 1926 of the DCHS1 protein (p.Thr1926Ala). This variant is not present in population databases (gnomAD no frequency). This variant has not been reported in the literature in individuals affected with DCHS1-related conditions. An algorithm developed to predict the effect of missense changes on protein structure and function outputs the following: PolyPhen-2: "Benign". The alanine amino acid residue is found in multiple mammalian species, which suggests that this missense change does not adversely affect protein function. In summary, the available evidence is currently insufficient to determine the role of this variant in disease. Therefore, it has been classified as a Variant of Uncertain Significance.

NM_003737.4(DCHS1):c.5776A>G (p.Thr1926Ala)

Gene: DCHS1 (dachsous cadherin-related 1; minus strand). Cytogenetic location: 11p15.4.
Variant type: single nucleotide variant.
Coding change: c.5776A>G on transcript NM_003737.4 (MANE Select); coding-DNA position 5776, A replaced by G.
Protein change: p.Thr1926Ala; replaces threonine 1926 with alanine.
Molecular consequence: missense variant.
Genome position (GRCh38, 1-based): chr11:6,627,263, T>C on the plus strand (A>G on the coding strand, the complement: DCHS1 is on the minus strand). VCF-style: chr11-6627263-T-C. GRCh37 (hg19) VCF-style: chr11-6648494-T-C.
Other names: short protein forms T1926A.
Identifiers: ClinVar variation 4741799 (VCV004741799.1).